The following is an entry in ClinVar:

NM_000069.3(CACNA1S):c.1171G>A (p.Gly391Ser)

Gene: CACNA1S (calcium voltage-gated channel subunit alpha1 S; minus strand). Cytogenetic location: 1q32.1.
Variant type: single nucleotide variant.
Coding change: c.1171G>A on transcript NM_000069.3 (MANE Select); coding-DNA position 1171, G replaced by A.
Protein change: p.Gly391Ser; replaces glycine 391 with serine.
Molecular consequence: missense variant.
Genome position (GRCh38, 1-based): chr1:201,085,011, C>T on the plus strand (G>A on the coding strand, the complement: CACNA1S is on the minus strand). VCF-style: chr1-201085011-C-T. GRCh37 (hg19) VCF-style: chr1-201054139-C-T.
Other names: short protein forms G391S.
Identifiers: ClinVar variation 1450153 (VCV001450153.7), dbSNP rs1661979627, ClinGen allele CA344128138.
Genomic context (GRCh38, chr1:201,085,011, plus strand): 5'-TGAACTGGATGATTTTGTTCAAGCCTGCAATTTCATACAGGCTCTCTGTGTCAGAGCCAC[C>T]TTCATCCAAAGACAGTTTTCCTGGAGACAGGAGAGAAAGAGTCAGCCAGCCTTCGGGGCC-3'
Protein context (NP_000060.2, residues 381-401): FREGKLSLDE[Gly391Ser]GSDTESLYEI

ClinVar aggregate classification (germline): Uncertain significance (1 of 4 stars; one submission).

Conditions:
Hypokalemic periodic paralysis, type 1. Also called: Hypokalemic Periodic Paralysis Type 1 (AD); HypoPP. Identifiers: Orphanet 681, MedGen C3714580, MONDO:0042979, OMIM 170400.
Malignant hyperthermia, susceptibility to, 5 (MHS5). Also called: CACNA1S-Related Malignant Hyperthermia Susceptibility. Identifiers: Orphanet 423, MedGen C1866077, MONDO:0011163, OMIM 601887.

Allele frequency attached by ClinVar (database versions not stated): TOPMed 0.00001.

Submission:

Labcorp Genetics (formerly Invitae), Labcorp
Classification: Uncertain significance for Hypokalemic periodic paralysis, type 1; Malignant hyperthermia, susceptibility to, 5. Last evaluated: 2021-10-19. Review status: criteria provided, single submitter. Criteria: Invitae Variant Classification Sherloc (09022015). Collection method: clinical testing. Allele origin: germline.
Comment: In summary, the available evidence is currently insufficient to determine the role of this variant in disease. Therefore, it has been classified as a Variant of Uncertain Significance. Advanced modeling of protein sequence and biophysical properties (such as structural, functional, and spatial information, amino acid conservation, physicochemical variation, residue mobility, and thermodynamic stability) performed at Invitae indicates that this missense variant is not expected to disrupt CACNA1S protein function. This variant has not been reported in the literature in individuals affected with CACNA1S-related conditions. This variant is not present in population databases (ExAC no frequency). This sequence change replaces glycine with serine at codon 391 of the CACNA1S protein (p.Gly391Ser). The glycine residue is highly conserved and there is a small physicochemical difference between glycine and serine.